The following is an entry in ClinVar:

NM_024675.4(PALB2):c.1226_1227del (p.Tyr409fs)

Gene: PALB2 (partner and localizer of BRCA2; minus strand). Cytogenetic location: 16p12.2.
Variant type: Deletion.
Coding change: c.1226_1227del on transcript NM_024675.4 (MANE Select); coding-DNA positions 1226 to 1227, 2 bases deleted (AT; older notation c.1226_1227delAT).
Protein change: p.Tyr409fs; shifts the reading frame from tyrosine 409.
Molecular consequence: frameshift variant. On other transcripts: intron variant (3).
Genome position (GRCh38, 1-based): chr16:23,635,319-23,635,320, AT deleted on the plus strand (AT on the coding strand, the reverse complement: PALB2 is on the minus strand); deleting any 2 consecutive bases within chr16:23,635,319-23,635,321 gives the same sequence; the c. name uses the placement nearest the transcript's 3' end. VCF-style (leftmost placement, unchanged base first): chr16-23635318-CAT-C. GRCh37 (hg19) VCF-style: chr16-23646639-CAT-C.
Other names: c.1226_1227delAT (NM_024675.3); c.1226_1227del, p.Tyr409fs (NM_001407299.1, NM_001407300.1, NM_001407301.1 and 3 more transcripts); c.341_342del, p.Tyr114fs (NM_001407304.1, NM_001407305.1, NM_001407306.1 and 5 more transcripts); c.1166_1167del, p.Tyr389fs (NM_001407296.1); c.48+5790_48+5791del (NM_001407314.1); c.-104-4851_-104-4850del (NM_001407313.1, NM_001407312.1); short protein forms Y389fs, Y114fs, Y409fs.
Identifiers: ClinVar variation 4130315 (VCV004130315.1).
Genomic context (GRCh38, chr16:23,635,318, plus strand): 5'-GAATGACAGCCTCCACGGCTACTTTCCTCTGGCAATTGGACATGCTTCGTGTTGTTCTAA[CAT>C]AATATTCTGCAGGAAACAGAAGGCCTTCAGGCACTGTGCAAGAATGTTTTTCTGCAGAAA-3'

ClinVar aggregate classification (germline): Pathogenic (1 of 4 stars; one submission).

Conditions:
Hereditary cancer-predisposing syndrome. Also called: Hereditary neoplastic syndrome; Neoplastic Syndromes, Hereditary; Tumor predisposition; Hereditary Cancer Syndrome. Identifiers: Orphanet 140162, MedGen C0027672, MeSH D009386, MONDO:0015356.

Submission:

Ambry Genetics
Classification: Pathogenic for Hereditary cancer-predisposing syndrome. Last evaluated: 2025-07-18. Review status: criteria provided, single submitter. Criteria: Ambry Variant Classification Scheme 2023. Collection method: clinical testing. Allele origin: germline.
Comment: The c.1226_1227delAT pathogenic mutation, located in coding exon 4 of the PALB2 gene, results from a deletion of two nucleotides at nucleotide positions 1226 to 1227, causing a translational frameshift with a predicted alternate stop codon (p.Y409Cfs*2). This variant is considered to be rare based on population cohorts in the Genome Aggregation Database (gnomAD). This alteration is expected to result in loss of function by premature protein truncation or nonsense-mediated mRNA decay. As such, this alteration is interpreted as a disease-causing mutation.